The following is an entry in ClinVar:

ClinVar aggregate classification (germline): Uncertain significance. Review status: criteria provided, multiple submitters, no conflicts (2 of 4 stars). 2 submissions from 2 submitters: Uncertain significance (2). Last evaluated 2025-05-14.

Conditions:
Neuropathy, hereditary sensory, type 2C. Also called: Hereditary sensory and autonomic neuropathy type IIC; KIF1A-Related HSAN2 (HSAN2C). Identifiers: Orphanet 970, MedGen C3280168, MONDO:0013634, OMIM 614213.
Hereditary spastic paraplegia 30. Identifiers: Orphanet 101010, MedGen C5235139, MONDO:0012476.
Intellectual disability, autosomal dominant 9 (NESCAVS). Also called: NESCAV SYNDROME; KIF1A-Related Neurodevelopmental Disorder. Identifiers: Orphanet 662367, MedGen C5393830, MONDO:0013656, OMIM 614255.

Allele frequency attached by ClinVar (database versions not stated): gnomAD exomes below 0.00001; ExAC 0.00001; gnomAD 0.00004; TOPMed 0.00006; ESP Exome Variant Server 0.00008.
gnomAD v4.1: 7 of 1,594,084 alleles (0.00044%); highest among the groups gnomAD compares: African/African-American, 0.0094%; no homozygotes.

Submissions (2):

Labcorp Genetics (formerly Invitae), Labcorp
Classification: Uncertain significance for Hereditary spastic paraplegia 30; Neuropathy, hereditary sensory, type 2C; Intellectual disability, autosomal dominant 9. Last evaluated: 2025-05-14. Review status: criteria provided, single submitter. Criteria: Invitae Variant Classification Sherloc (09022015). Collection method: clinical testing. Allele origin: germline.
Comment: This sequence change replaces glutamine, which is neutral and polar, with arginine, which is basic and polar, at codon 1568 of the KIF1A protein (p.Gln1568Arg). This variant is present in population databases (rs200317988, gnomAD 0.007%). This variant has not been reported in the literature in individuals affected with KIF1A-related conditions. ClinVar contains an entry for this variant (Variation ID: 2923651). Invitae Evidence Modeling of protein sequence and biophysical properties (such as structural, functional, and spatial information, amino acid conservation, physicochemical variation, residue mobility, and thermodynamic stability) indicates that this missense variant is not expected to disrupt KIF1A protein function with a negative predictive value of 95%. In summary, the available evidence is currently insufficient to determine the role of this variant in disease. Therefore, it has been classified as a Variant of Uncertain Significance.

GeneDx
Classification: Uncertain significance. Last evaluated: 2024-08-19. Review status: criteria provided, single submitter. Criteria: GeneDx Variant Classification Process June 2021. Collection method: clinical testing. Allele origin: germline. Affected: yes.
Comment: Not observed at significant frequency in large population cohorts (gnomAD); In silico analysis indicates that this missense variant does not alter protein structure/function; Has not been previously published as pathogenic or benign to our knowledge

NM_001244008.2(KIF1A):c.5006A>G (p.Gln1669Arg)

Gene: KIF1A (kinesin family member 1A; minus strand). Cytogenetic location: 2q37.3.
Variant type: single nucleotide variant.
Coding change: c.5006A>G on transcript NM_001244008.2 (MANE Select); coding-DNA position 5006, A replaced by G.
Protein change: p.Gln1669Arg; replaces glutamine 1669 with arginine.
Molecular consequence: missense variant.
Genome position (GRCh38, 1-based): chr2:240,719,789, T>C on the plus strand (A>G on the coding strand, the complement: KIF1A is on the minus strand). VCF-style: chr2-240719789-T-C. GRCh37 (hg19) VCF-style: chr2-241659206-T-C.
Other names: c.4730A>G, p.Gln1577Arg (NM_001320705.2, NM_001379649.1); c.4757A>G, p.Gln1586Arg (NM_001330289.2); c.4805A>G, p.Gln1602Arg (NM_001330290.2, NM_001379648.1); c.5081A>G, p.Gln1694Arg (NM_001379631.1); c.4982A>G, p.Gln1661Arg (NM_001379632.1); c.4979A>G, p.Gln1660Arg (NM_001379633.1, NM_001379645.1); c.4832A>G, p.Gln1611Arg (NM_001379634.1); c.4829A>G, p.Gln1610Arg (NM_001379635.1, NM_001379646.1); and 8 more; short protein forms Q1567R, Q1577R, Q1602R, Q1611R, Q1694R, Q1576R, Q1660R, Q1568R.
Identifiers: ClinVar variation 2923651 (VCV002923651.3), dbSNP rs200317988, ClinGen allele CA2207232.